The following is an entry in ClinVar:

ClinVar aggregate classification (germline): Benign (1 of 4 stars; one submission).

Conditions:
Melanoma-pancreatic cancer syndrome. Identifiers: Orphanet 404560, MedGen C1838547, MONDO:0011713, OMIM 606719. Disease mechanism: loss of function.

Submission:

Myriad Genetics, Inc.
Classification: Benign for Melanoma-pancreatic cancer syndrome. Last evaluated: 2025-08-15. Review status: criteria provided, single submitter. Criteria: Myriad Autosomal Dominant, Autosomal Recessive and X-Linked Classification Criteria (2023). Collection method: clinical testing. Allele origin: unknown.
Comment: This variant is considered benign. This variant is intronic and is not expected to impact mRNA splicing.

NM_000077.5(CDKN2A):c.458-85A>C

Gene: CDKN2A (cyclin dependent kinase inhibitor 2A; minus strand). Cytogenetic location: 9p21.3.
Variant type: single nucleotide variant.
Coding change: c.458-85A>C on transcript NM_000077.5 (MANE Select); 85 bases into the intron before coding-DNA position 458, A replaced by C.
Molecular consequence: intron variant.
Genome position (GRCh38, 1-based): chr9:21,968,327, T>G on the plus strand (A>C on the coding strand, the complement: CDKN2A is on the minus strand). VCF-style: chr9-21968327-T-G. GRCh37 (hg19) VCF-style: chr9-21968326-T-G.
Other names: c.305-85A>C (NM_001363763.2); c.*102-85A>C (NM_058195.4); c.*151-85A>C (NM_001195132.2); c.*381-85A>C (NM_058197.5).
Identifiers: ClinVar variation 4294207 (VCV004294207.1).
Genomic context (GRCh38, chr9:21,968,327, plus strand): 5'-GCGTTAGAAACCTGAGGTCAAAGATGTGTGGCACATCCCGCCCTCCTCTCTTGCCGTCCC[T>G]ACCGGCATTGAAATACTTATGGATAAAGTTCTCGCAATGGCTTCACGTGCATGTACCCGC-3'